The following is an entry in ClinVar:

ClinVar aggregate classification (germline): Benign/Likely benign. Review status: criteria provided, multiple submitters, no conflicts (2 of 4 stars). 5 submissions from 5 submitters: Benign (2); Likely benign (2). 1 of the submissions does not count toward it. Last evaluated 2026-01-26.

Conditions:
CACNA1G-related disorder. Also called: CACNA1G-related disorders; CACNA1G-related condition.

Allele frequency attached by ClinVar (database versions not stated): ESP Exome Variant Server 0.00450; 1000 Genomes Project 0.00499; 1000 Genomes Project 30x 0.00547; gnomAD 0.00599; TOPMed 0.00644.
gnomAD v4.1: 1,811 of 1,613,212 alleles (0.11%); highest among the groups gnomAD compares: African/African-American, 2.1%; 21 homozygotes.

Submissions (5):

Labcorp Genetics (formerly Invitae), Labcorp
Classification: Benign. Last evaluated: 2026-01-26. Review status: criteria provided, single submitter. Criteria: Invitae Variant Classification Sherloc (09022015). Collection method: clinical testing. Allele origin: germline.

Mayo Clinic Laboratories, Mayo Clinic
Classification: Benign. Last evaluated: 2024-02-01. Review status: criteria provided, single submitter. Criteria: ACMG Guidelines, 2015. Collection method: clinical testing. Allele origin: germline. Observed: 2 variant alleles.
Comment: BS1, BS2, BP4, BP7

GeneDx
Classification: Likely benign. Last evaluated: 2021-04-23. Review status: criteria provided, single submitter. Criteria: GeneDx Variant Classification Process June 2021. Collection method: clinical testing. Allele origin: germline. Affected: yes.

Breakthrough Genomics
Classification: Likely benign. Review status: criteria provided, single submitter. Criteria: ACMG Guidelines, 2015. Collection method: not provided. Allele origin: germline. Inheritance: Autosomal dominant inheritance. Affected: yes.

PreventionGenetics, part of Exact Sciences
Classification: Benign for CACNA1G-related condition. Last evaluated: 2020-01-02. Review status: no assertion criteria provided. Collection method: clinical testing. Allele origin: germline. Not counted in ClinVar's aggregate classification.
Comment: This variant is classified as benign based on ACMG/AMP sequence variant interpretation guidelines (Richards et al. 2015 PMID: 25741868, with internal and published modifications).

NM_018896.5(CACNA1G):c.7080A>G (p.Lys2360=)

Gene: CACNA1G (calcium voltage-gated channel subunit alpha1 G; plus strand). Cytogenetic location: 17q21.33.
Variant type: single nucleotide variant.
Coding change: c.7080A>G on transcript NM_018896.5 (MANE Select); coding-DNA position 7080, A replaced by G.
Protein change: p.Lys2360=; no amino-acid change (lysine 2360 retained).
Molecular consequence: synonymous variant. On other transcripts: non-coding transcript variant (5).
Genome position (GRCh38, 1-based): chr17:50,626,697, A>G. VCF-style: chr17-50626697-A-G. GRCh37 (hg19) VCF-style: chr17-48704058-A-G.
Other names: p.Lys2360=; c.6891A>G, p.Lys2297= (NM_001256324.2); c.6822A>G, p.Lys2274= (NM_001256325.2); c.6810A>G, p.Lys2270= (NM_001256326.2); c.6780A>G, p.Lys2260= (NM_001256327.2); c.6726A>G, p.Lys2242= (NM_001256328.2); c.6699A>G, p.Lys2233= (NM_001256329.2, NM_198387.3); c.6666A>G, p.Lys2222= (NM_001256330.2); and 19 more.
Identifiers: ClinVar variation 781307 (VCV000781307.15), dbSNP rs59256133, ClinGen allele CA8653802.
Genomic context (GRCh38, chr17:50,626,697, plus strand): 5'-CAAGGATCCCTTGGCCTCTGGCCCCCCTGACAGCATGGCTGCCTCGCCCTCCCCAAAGAA[A>G]GATGTGCTGAGTCTCTCCGGTTTATCCTCTGACCCAGCAGACCTGGACCCCTGAGTCCTG-3'
Protein context (NP_061496.2, residues 2350-2370): DSMAASPSPK[Lys2360=]DVLSLSGLSS